The following is an entry in ClinVar:

ClinVar aggregate classification (germline): Uncertain significance (1 of 4 stars; one submission).

Allele frequency attached by ClinVar (database versions not stated): gnomAD exomes 0.00001.
gnomAD v4.1: 5 of 1,597,952 alleles (0.00031%); highest among the groups gnomAD compares: East Asian, 0.011%; no homozygotes.

Submission:

Labcorp Genetics (formerly Invitae), Labcorp
Classification: Uncertain significance. Last evaluated: 2018-04-19. Review status: criteria provided, single submitter. Criteria: Invitae Variant Classification Sherloc (09022015). Collection method: clinical testing. Allele origin: germline.
Comment: This sequence change replaces serine with threonine at codon 615 of the SZT2 protein (p.Ser615Thr). The serine residue is weakly conserved and there is a small physicochemical difference between serine and threonine. This variant is not present in population databases (ExAC no frequency). This variant has not been reported in the literature in individuals with SZT2-related disease. Algorithms developed to predict the effect of missense changes on protein structure and function (SIFT, PolyPhen-2, Align-GVGD) all suggest that this variant is likely to be tolerated, but these predictions have not been confirmed by published functional studies and their clinical significance is uncertain. In summary, the available evidence is currently insufficient to determine the role of this variant in disease. Therefore, it has been classified as a Variant of Uncertain Significance.

NM_001365999.1(SZT2):c.1843T>A (p.Ser615Thr)

Gene: SZT2 (SZT2 subunit of KICSTOR complex; plus strand). Cytogenetic location: 1p34.2.
Variant type: single nucleotide variant.
Coding change: c.1843T>A on transcript NM_001365999.1 (MANE Select); coding-DNA position 1843, T replaced by A.
Protein change: p.Ser615Thr; replaces serine 615 with threonine.
Molecular consequence: missense variant.
Genome position (GRCh38, 1-based): chr1:43,422,553, T>A. VCF-style: chr1-43422553-T-A. GRCh37 (hg19) VCF-style: chr1-43888224-T-A.
Other names: c.1843T>A, p.Ser615Thr (NM_015284.4); short protein forms S615T.
Identifiers: ClinVar variation 1001991 (VCV001001991.8), dbSNP rs1422595186, ClinGen allele CA340010172.